The following is an entry in ClinVar:

NM_000168.6(GLI3):c.3466A>G (p.Thr1156Ala)

Gene: GLI3 (GLI family zinc finger 3; minus strand). Cytogenetic location: 7p14.1.
Variant type: single nucleotide variant.
Coding change: c.3466A>G on transcript NM_000168.6 (MANE Select); coding-DNA position 3466, A replaced by G.
Protein change: p.Thr1156Ala; replaces threonine 1156 with alanine.
Molecular consequence: missense variant.
Genome position (GRCh38, 1-based): chr7:41,965,607, T>C on the plus strand (A>G on the coding strand, the complement: GLI3 is on the minus strand). VCF-style: chr7-41965607-T-C. GRCh37 (hg19) VCF-style: chr7-42005205-T-C.
Other names: short protein forms T1156A.
Identifiers: ClinVar variation 3752134 (VCV003752134.2).

ClinVar aggregate classification (germline): Uncertain significance (1 of 4 stars; one submission).

Conditions:
Pallister-Hall syndrome (PHS). Also called: HYPOTHALAMIC HAMARTOBLASTOMA, HYPOPITUITARISM, IMPERFORATE ANUS, AND POSTAXIAL POLYDACTYLY; GLI3-Related Pallister-Hall Syndrome. Identifiers: Orphanet 672, MedGen C0265220, MONDO:0007804, OMIM 146510.
Greig cephalopolysyndactyly syndrome (GCPS). Also called: GLI3-Related Greig Cephalopolysyndactyly Syndrome; POLYSYNDACTYLY WITH PECULIAR SKULL SHAPE; Greig syndrome. Identifiers: Orphanet 380, MedGen C0265306, MONDO:0008287, OMIM 175700.

gnomAD v4.1: 5 of 1,607,034 alleles (0.00031%); highest among the groups gnomAD compares: Non-Finnish European, 0.00043%; no homozygotes.

Submission:

Labcorp Genetics (formerly Invitae), Labcorp
Classification: Uncertain significance for Pallister-Hall syndrome; Greig cephalopolysyndactyly syndrome. Last evaluated: 2024-08-21. Review status: criteria provided, single submitter. Criteria: Invitae Variant Classification Sherloc (09022015). Collection method: clinical testing. Allele origin: germline.
Comment: This sequence change replaces threonine, which is neutral and polar, with alanine, which is neutral and non-polar, at codon 1156 of the GLI3 protein (p.Thr1156Ala). This variant is not present in population databases (gnomAD no frequency). This variant has not been reported in the literature in individuals affected with GLI3-related conditions. Invitae Evidence Modeling of protein sequence and biophysical properties (such as structural, functional, and spatial information, amino acid conservation, physicochemical variation, residue mobility, and thermodynamic stability) indicates that this missense variant is not expected to disrupt GLI3 protein function with a negative predictive value of 80%. In summary, the available evidence is currently insufficient to determine the role of this variant in disease. Therefore, it has been classified as a Variant of Uncertain Significance.